The following is an entry in ClinVar:

ClinVar aggregate classification (germline): Uncertain significance. Review status: criteria provided, multiple submitters, no conflicts (2 of 4 stars). 3 submissions from 3 submitters: Uncertain significance (3). Last evaluated 2025-03-26.

Conditions:
Cardiovascular phenotype. Identifiers: MedGen CN230736.
Primary familial hypertrophic cardiomyopathy (HCM). Identifiers: Orphanet 99739, MedGen C0949658, MeSH D024741, MONDO:0024573. Inheritance: Various modes of inheritance.
Dilated cardiomyopathy 1AA (CMD1AA). Also called: Cardiomyopathy, dilated, 1AA, with or without LVNC; CARDIOMYOPATHY, FAMILIAL HYPERTROPHIC, 23, WITH OR WITHOUT LEFT VENTRICULAR NONCOMPACTION; CARDIOMYOPATHY, DILATED, 1AA, WITH OR WITHOUT LEFT VENTRICULAR NONCOMPACTION. Identifiers: Orphanet 154, MedGen C2677338, MONDO:0012808, OMIM 612158.

Allele frequency attached by ClinVar (database versions not stated): gnomAD exomes below 0.00001; TOPMed below 0.00001; ExAC 0.00001.
gnomAD v4.1: 4 of 1,614,128 alleles (0.00025%); highest among the groups gnomAD compares: Non-Finnish European, 0.00025%; no homozygotes.

Submissions (3):

Ambry Genetics
Classification: Uncertain significance for Cardiovascular phenotype. Last evaluated: 2025-03-26. Review status: criteria provided, single submitter. Criteria: Ambry Variant Classification Scheme 2023. Collection method: clinical testing. Allele origin: germline.
Comment: The p.A257V variant (also known as c.770C>T), located in coding exon 8 of the ACTN2 gene, results from a C to T substitution at nucleotide position 770. The alanine at codon 257 is replaced by valine, an amino acid with similar properties. This amino acid position is well conserved in available vertebrate species. In addition, the in silico prediction for this alteration is inconclusive. Based on the available evidence, the clinical significance of this variant remains unclear.

Labcorp Genetics (formerly Invitae), Labcorp
Classification: Uncertain significance for Primary familial hypertrophic cardiomyopathy; Dilated cardiomyopathy 1AA. Last evaluated: 2024-05-25. Review status: criteria provided, single submitter. Criteria: Invitae Variant Classification Sherloc (09022015). Collection method: clinical testing. Allele origin: germline.
Comment: This sequence change replaces alanine, which is neutral and non-polar, with valine, which is neutral and non-polar, at codon 257 of the ACTN2 protein (p.Ala257Val). This variant is not present in population databases (gnomAD no frequency). This variant has not been reported in the literature in individuals affected with ACTN2-related conditions. ClinVar contains an entry for this variant (Variation ID: 389888). Advanced modeling of protein sequence and biophysical properties (such as structural, functional, and spatial information, amino acid conservation, physicochemical variation, residue mobility, and thermodynamic stability) performed at Invitae indicates that this missense variant is not expected to disrupt ACTN2 protein function with a negative predictive value of 80%. In summary, the available evidence is currently insufficient to determine the role of this variant in disease. Therefore, it has been classified as a Variant of Uncertain Significance.

GeneDx
Classification: Uncertain significance. Last evaluated: 2019-10-08. Review status: criteria provided, single submitter. Criteria: GeneDx Variant Classification Process June 2021. Collection method: clinical testing. Allele origin: germline. Affected: yes.
Comment: Not observed in large population cohorts (Lek et al., 2016); In silico analysis, which includes protein predictors and evolutionary conservation, supports a deleterious effect; This variant is associated with the following publications: (PMID: 30602096)

NM_001103.4(ACTN2):c.770C>T (p.Ala257Val)

Gene: ACTN2 (actinin alpha 2; plus strand). Cytogenetic location: 1q43.
Variant type: single nucleotide variant.
Coding change: c.770C>T on transcript NM_001103.4 (MANE Select); coding-DNA position 770, C replaced by T.
Protein change: p.Ala257Val; replaces alanine 257 with valine.
Molecular consequence: missense variant. On other transcripts: intron variant (1).
Genome position (GRCh38, 1-based): chr1:236,735,707, C>T. VCF-style: chr1-236735707-C-T. GRCh37 (hg19) VCF-style: chr1-236899007-C-T.
Other names: c.35C>T, p.Ala12Val (NM_001278344.2); c.783+1189C>T (NM_001278343.2); short protein forms A257V, A12V.
Identifiers: ClinVar variation 389888 (VCV000389888.12), dbSNP rs759652494, ClinGen allele CA1472922.